The following is an entry in ClinVar:

ClinVar aggregate classification (germline): Uncertain significance (1 of 4 stars; one submission).

Conditions:
Curry-Hall syndrome (WAD). Also called: WEYERS ACRODENTAL DYSOSTOSIS. Identifiers: Orphanet 952, MedGen C0457013, MONDO:0008673, OMIM 193530.
Ellis-van Creveld syndrome (EVC). Also called: EVC-Related Ellis-van Creveld Syndrome; EVC2-Related Ellis-van Creveld Syndrome; MESOECTODERMAL DYSPLASIA; Chondroectodermal dysplasia. Identifiers: Orphanet 289, MedGen C0013903, MONDO:0009162, OMIM 225500.

gnomAD v4.1: 4 of 1,614,242 alleles (0.00025%); highest among the groups gnomAD compares: East Asian, 0.0045%; no homozygotes.

Submission:

Labcorp Genetics (formerly Invitae), Labcorp
Classification: Uncertain significance for Curry-Hall syndrome; Ellis-van Creveld syndrome. Last evaluated: 2024-06-19. Review status: criteria provided, single submitter. Criteria: Invitae Variant Classification Sherloc (09022015). Collection method: clinical testing. Allele origin: germline.
Comment: This sequence change replaces isoleucine, which is neutral and non-polar, with threonine, which is neutral and polar, at codon 540 of the EVC2 protein (p.Ile540Thr). This variant is present in population databases (rs774137577, gnomAD 0.01%). This variant has not been reported in the literature in individuals affected with EVC2-related conditions. An algorithm developed to predict the effect of missense changes on protein structure and function (PolyPhen-2) suggests that this variant is likely to be disruptive. In summary, the available evidence is currently insufficient to determine the role of this variant in disease. Therefore, it has been classified as a Variant of Uncertain Significance.

NM_147127.5(EVC2):c.1619T>C (p.Ile540Thr)

Gene: EVC2 (EvC ciliary complex subunit 2; minus strand). Cytogenetic location: 4p16.2.
Variant type: single nucleotide variant.
Coding change: c.1619T>C on transcript NM_147127.5 (MANE Select); coding-DNA position 1619, T replaced by C.
Protein change: p.Ile540Thr; replaces isoleucine 540 with threonine.
Molecular consequence: missense variant.
Genome position (GRCh38, 1-based): chr4:5,631,884, A>G on the plus strand (T>C on the coding strand, the complement: EVC2 is on the minus strand). VCF-style: chr4-5631884-A-G. GRCh37 (hg19) VCF-style: chr4-5633611-A-G.
Other names: c.1379T>C, p.Ile460Thr (NM_001166136.2); short protein forms I460T, I540T.
Identifiers: ClinVar variation 3763425 (VCV003763425.1).